The following is an entry in ClinVar:

ClinVar aggregate classification (germline): Likely benign. Review status: criteria provided, multiple submitters, no conflicts (2 of 4 stars). 3 submissions from 3 submitters: Likely benign (2). 1 of the submissions does not count toward it. Last evaluated 2025-04-10.

Conditions:
CC2D2A-related disorder. Also called: CC2D2A-related disorders; CC2D2A-related condition. Identifiers: MedGen CN239313.
Joubert syndrome. Also called: JOUBERT-BOLTSHAUSER SYNDROME; Familial aplasia of the vermis. Identifiers: Orphanet 475, MedGen C5979921, MONDO:0018772.
Meckel-Gruber syndrome. Also called: Dysencephalia splachnocystica; DYSENCEPHALIA SPLANCHNOCYSTICA; GRUBER SYNDROME. Identifiers: Orphanet 564, MedGen C0265215, MONDO:0018921.

Allele frequency attached by ClinVar (database versions not stated): gnomAD exomes 0.00001 and 0.00003; TOPMed 0.00001; ExAC 0.00004.

Submissions (3):

Labcorp Genetics (formerly Invitae), Labcorp
Classification: Likely benign for Joubert syndrome; Meckel-Gruber syndrome. Last evaluated: 2025-04-10. Review status: criteria provided, single submitter. Criteria: Invitae Variant Classification Sherloc (09022015). Collection method: clinical testing. Allele origin: germline.

Blueprint Genetics
Classification: Likely benign. Last evaluated: 2022-02-16. Review status: criteria provided, single submitter. Criteria: ACMG Guidelines, 2015. Collection method: clinical testing. Allele origin: germline.

PreventionGenetics, part of Exact Sciences
Classification: Likely benign for CC2D2A-related condition. Last evaluated: 2019-03-13. Review status: no assertion criteria provided. Collection method: clinical testing. Allele origin: germline. Not counted in ClinVar's aggregate classification.
Comment: This variant is classified as likely benign based on ACMG/AMP sequence variant interpretation guidelines (Richards et al. 2015 PMID: 25741868, with internal and published modifications).

NM_001378615.1(CC2D2A):c.1506T>C (p.Asp502=)

Genes: CC2D2A (coiled-coil and C2 domain containing 2A; plus strand), FBXL5 (F-box and leucine rich repeat protein 5; minus strand). Cytogenetic location: 4p15.32.
Variant type: single nucleotide variant.
Coding change: c.1506T>C on transcript NM_001378615.1 (MANE Select); coding-DNA position 1506, T replaced by C.
Protein change: p.Asp502=; no amino-acid change (aspartic acid 502 retained).
Molecular consequence: synonymous variant.
Genome position (GRCh38, 1-based): chr4:15,533,232, T>C. VCF-style: chr4-15533232-T-C. GRCh37 (hg19) VCF-style: chr4-15534855-T-C.
Other names: c.1506T>C, p.Asp502= (NM_001080522.2); c.1359T>C, p.Asp453= (NM_001378617.1).
Identifiers: ClinVar variation 705305 (VCV000705305.14), dbSNP rs765072025, ClinGen allele CA2863700.